The following is an entry in ClinVar:

ClinVar aggregate classification (germline): Uncertain significance. Review status: criteria provided, multiple submitters, no conflicts (2 of 4 stars). 2 submissions from 2 submitters: Uncertain significance (2). Last evaluated 2024-11-18.

Conditions:
Hereditary cancer-predisposing syndrome. Also called: Neoplastic Syndromes, Hereditary; Hereditary neoplastic syndrome; Tumor predisposition; Hereditary Cancer Syndrome. Identifiers: Orphanet 140162, MedGen C0027672, MeSH D009386, MONDO:0015356.
Ataxia-telangiectasia syndrome (AT). Also called: Ataxia-telangiectasia, complementation group D; AT, COMPLEMENTATION GROUP C; ATAXIA-TELANGIECTASIA, COMPLEMENTATION GROUP A; ATAXIA-TELANGIECTASIA, FRESNO VARIANT; LOUIS-BAR SYNDROME; Cerebello-oculocutaneous telangiectasia. Identifiers: Orphanet 100, MedGen C0004135, MONDO:0008840, OMIM 208900.

Submissions (2):

Labcorp Genetics (formerly Invitae), Labcorp
Classification: Uncertain significance for Ataxia-telangiectasia syndrome. Last evaluated: 2024-11-18. Review status: criteria provided, single submitter. Criteria: Invitae Variant Classification Sherloc (09022015). Collection method: clinical testing. Allele origin: germline.
Comment: This sequence change replaces serine, which is neutral and polar, with phenylalanine, which is neutral and non-polar, at codon 1163 of the ATM protein (p.Ser1163Phe). This variant is not present in population databases (gnomAD no frequency). This variant has not been reported in the literature in individuals affected with ATM-related conditions. Invitae Evidence Modeling of protein sequence and biophysical properties (such as structural, functional, and spatial information, amino acid conservation, physicochemical variation, residue mobility, and thermodynamic stability) indicates that this missense variant is not expected to disrupt ATM protein function with a negative predictive value of 95%. In summary, the available evidence is currently insufficient to determine the role of this variant in disease. Therefore, it has been classified as a Variant of Uncertain Significance.

Ambry Genetics
Classification: Uncertain significance for Hereditary cancer-predisposing syndrome. Last evaluated: 2024-05-31. Review status: criteria provided, single submitter. Criteria: Ambry Variant Classification Scheme 2023. Collection method: clinical testing. Allele origin: germline.
Comment: The p.S1163F variant (also known as c.3488C>T), located in coding exon 23 of the ATM gene, results from a C to T substitution at nucleotide position 3488. The serine at codon 1163 is replaced by phenylalanine, an amino acid with highly dissimilar properties. This amino acid position is poorly conserved in available vertebrate species. In addition, this alteration is predicted to be tolerated by in silico analysis. Based on the available evidence, the clinical significance of this variant remains unclear.

NM_000051.4(ATM):c.3488C>T (p.Ser1163Phe)

Gene: ATM (ATM serine/threonine kinase; plus strand). Cytogenetic location: 11q22.3.
Variant type: single nucleotide variant.
Coding change: c.3488C>T on transcript NM_000051.4 (MANE Select); coding-DNA position 3488, C replaced by T.
Protein change: p.Ser1163Phe; replaces serine 1163 with phenylalanine.
Molecular consequence: missense variant.
Genome position (GRCh38, 1-based): chr11:108,281,080, C>T. VCF-style: chr11-108281080-C-T. GRCh37 (hg19) VCF-style: chr11-108151807-C-T.
Other names: c.3488C>T, p.Ser1163Phe (NM_001351834.2); short protein forms S1163F.
Identifiers: ClinVar variation 3326344 (VCV003326344.3).